The following is an entry in ClinVar:

NM_001165963.4(SCN1A):c.4002+2358T>C

Genes: SCN1A (sodium voltage-gated channel alpha subunit 1; minus strand), LOC102724058 (uncharacterized LOC102724058; plus strand). Cytogenetic location: 2q24.3.
Variant type: single nucleotide variant.
Coding change: c.4002+2358T>C on transcript NM_001165963.4 (MANE Select); 2358 bases into the intron after coding-DNA position 4002, T replaced by C.
Molecular consequence: intron variant.
Genome position (GRCh38, 1-based): chr2:166,007,361, A>G on the plus strand (T>C on the coding strand, the complement: SCN1A is on the minus strand). VCF-style: chr2-166007361-A-G. GRCh37 (hg19) VCF-style: chr2-166863871-A-G.
Other names: c.3969+2358T>C (NM_001353949.2, NM_001353950.2, NM_001353951.2 and 2 more transcripts); c.3918+2358T>C (NM_001353958.2, NM_001353957.2, NM_001165964.3); c.4002+2358T>C (NM_001202435.3, NM_001353948.2); c.3966+2358T>C (NM_001353955.2, NM_001353954.2); c.3915+2358T>C (NM_001353960.2); c.1560+2358T>C (NM_001353961.2).
Identifiers: ClinVar variation 2807578 (VCV002807578.3), dbSNP rs2468472143, ClinGen allele CA2739271475.
Genomic context (GRCh38, chr2:166,007,361, plus strand): 5'-AAATAGAAATATATAGTTTGTTATTAGTTAGAAATCTGATATGACAGAACATTTGGTGTT[A>G]CTTTTTGTTCATGATGCTCTCCGTCTGTTTCCCTATCCATTAAGACTTGAGTTCTTTTGA-3'

ClinVar aggregate classification (germline): Uncertain significance (1 of 4 stars; one submission).

Conditions:
Early-infantile DEE. Also called: Early infantile epileptic encephalopathy; Early infantile epileptic encephalopathy with suppression bursts; Ohtahara syndrome. Identifiers: Orphanet 1934, MedGen C0393706, MONDO:0800491.

Submission:

Labcorp Genetics (formerly Invitae), Labcorp
Classification: Uncertain significance for Early-infantile DEE. Last evaluated: 2024-05-15. Review status: criteria provided, single submitter. Criteria: Invitae Variant Classification Sherloc (09022015). Collection method: clinical testing. Allele origin: germline.
Comment: This sequence change falls in intron 20 of the SCN1A gene. It does not directly change the encoded amino acid sequence of the SCN1A protein. However, this sequence change falls within a region encompassing a cryptic exon in the SCN1A gene, in which variants have been shown to alter splicing (PMID: 30526861, 34107977). This variant is not present in population databases (gnomAD no frequency). This variant has not been reported in the literature in individuals affected with SCN1A-related conditions. Algorithms developed to predict the effect of sequence changes on RNA splicing suggest that this variant is not likely to affect RNA splicing. In summary, the available evidence is currently insufficient to determine the role of this variant in disease. Therefore, it has been classified as a Variant of Uncertain Significance.

Literature cited by the submitters: PubMed 30526861; PubMed 34107977.